The following is an entry in ClinVar:

NM_194248.3(OTOF):c.5391C>T (p.Phe1797=)

Gene: OTOF (otoferlin; minus strand). Cytogenetic location: 2p23.3.
Variant type: single nucleotide variant.
Coding change: c.5391C>T on transcript NM_194248.3 (MANE Select); coding-DNA position 5391, C replaced by T.
Protein change: p.Phe1797=; no amino-acid change (phenylalanine 1797 retained).
Molecular consequence: synonymous variant.
Genome position (GRCh38, 1-based): chr2:26,461,838, G>A on the plus strand (C>T on the coding strand, the complement: OTOF is on the minus strand). VCF-style: chr2-26461838-G-A. GRCh37 (hg19) VCF-style: chr2-26684706-G-A.
Other names: c.5391C>T, p.Phe1797= (NM_001287489.2); c.3090C>T, p.Phe1030= (NM_004802.4, NM_194323.3); c.3321C>T, p.Phe1107= (NM_194322.3).
Identifiers: ClinVar variation 21857 (VCV000021857.20), dbSNP rs61747275, ClinGen allele CA142930.

ClinVar aggregate classification (germline): Benign. Review status: criteria provided, multiple submitters, no conflicts (2 of 4 stars). 7 submissions from 7 submitters: Benign (6). 1 of the submissions does not count toward it. Last evaluated 2026-02-04.

Conditions:
Autosomal recessive nonsyndromic hearing loss 9. Also called: NEUROSENSORY NONSYNDROMIC RECESSIVE DEAFNESS 9; OTOF-Related Hearing Loss; Deafness, autosomal recessive 9; AUDITORY NEUROPATHY, AUTOSOMAL RECESSIVE, 1, TEMPERATURE-SENSITIVE. Identifiers: Orphanet 90636, MedGen C1832828, MONDO:0010986, OMIM 601071.

Allele frequency attached by ClinVar (database versions not stated): gnomAD exomes 0.01495; gnomAD 0.01514; ExAC 0.01597; ESP Exome Variant Server 0.01784; TOPMed 0.01859; 1000 Genomes Project 0.02356; 1000 Genomes Project 30x 0.02405.
gnomAD v4.1: 17,245 of 1,614,154 alleles (1.1%); highest among the groups gnomAD compares: Middle Eastern, 4.7%; 277 homozygotes.

Submissions (7):

Labcorp Genetics (formerly Invitae), Labcorp
Classification: Benign. Last evaluated: 2026-02-04. Review status: criteria provided, single submitter. Criteria: Invitae Variant Classification Sherloc (09022015). Collection method: clinical testing. Allele origin: germline.

GeneDx
Classification: Benign. Last evaluated: 2017-11-10. Review status: criteria provided, single submitter. Criteria: GeneDx Variant Classification (06012015). Collection method: clinical testing. Allele origin: germline. Affected: yes.
Comment: This variant is considered likely benign or benign based on one or more of the following criteria: it is a conservative change, it occurs at a poorly conserved position in the protein, it is predicted to be benign by multiple in silico algorithms, and/or has population frequency not consistent with disease.

Illumina Laboratory Services, Illumina
Classification: Benign for Autosomal recessive nonsyndromic hearing loss 9. Last evaluated: 2017-04-27. Review status: criteria provided, single submitter. Criteria: ICSL Variant Classification Criteria 13 December 2019. Collection method: clinical testing. Allele origin: germline.
Comment: This variant was observed as part of a predisposition screen in an ostensibly healthy population. A literature search was performed for the gene, cDNA change, and amino acid change (where applicable). Publications were found based on this search. The evidence from the literature, in combination with allele frequency data from public databases where available, was sufficient to rule this variant out of causing disease. Therefore, this variant is classified as benign.

Laboratory for Molecular Medicine, Mass General Brigham Personalized Medicine
Classification: Benign. Last evaluated: 2008-02-19. Review status: criteria provided, single submitter. Criteria: LMM Criteria. Collection method: clinical testing. Allele origin: germline. Observed: 76 variant alleles.

Breakthrough Genomics
Classification: Benign. Review status: criteria provided, single submitter. Criteria: ACMG Guidelines, 2015. Collection method: not provided. Allele origin: germline. Inheritance: Autosomal recessive inheritance. Affected: yes.

PreventionGenetics, part of Exact Sciences
Classification: Benign. Review status: criteria provided, single submitter. Criteria: ACMG Guidelines, 2015. Collection method: clinical testing. Allele origin: germline.

GeneReviews
No classification provided. Condition: Autosomal recessive nonsyndromic hearing loss 9. Review status: no classification provided. Collection method: literature only. Allele origin: unknown. Not counted in ClinVar's aggregate classification.

Literature cited by the submitters: PubMed 16371502 (cited by Illumina Laboratory Services, Illumina); PubMed 20301429 (cited by GeneReviews); NCBI Bookshelf NBK1251 (cited by GeneReviews).